The following is an entry in ClinVar:

ClinVar aggregate classification (germline): Pathogenic. Review status: criteria provided, multiple submitters, no conflicts (2 of 4 stars). 15 submissions from 15 submitters: Pathogenic (14). 1 of the submissions does not count toward it. Last evaluated 2026-09-22.

Conditions:
Oguchi disease-1. Also called: Congenital stationary night blindness Oguchi type 1. Identifiers: MedGen C4551824, MONDO:0009775, OMIM 258100.
Retinitis pigmentosa 47 (RP47). Identifiers: Orphanet 791, MedGen C3151061, MONDO:0013407, OMIM 613758.
SAG-related disorder. Also called: SAG-related condition; SAG-related disorders.
Retinal dystrophy. Also called: Inherited retinal dystrophy. Identifiers: Orphanet 71862, MedGen C0854723, MeSH D058499, MONDO:0019118, HP:0000556.
Oguchi disease. Also called: Oguchi's disease. Identifiers: Orphanet 75382, MedGen C1306122, MONDO:0019152.
Oguchi disease-2. Also called: NIGHT BLINDNESS, CONGENITAL STATIONARY, OGUCHI TYPE 2. Identifiers: Orphanet 75382, MedGen C3150678, MONDO:0013259, OMIM 613411.
Retinal disorder. Also called: Retinal disorders; Retinopathies; Retinal Diseases; Retinopathy. Identifiers: MedGen C0035309, MONDO:0005283, HP:0000488.

Allele frequency attached by ClinVar (database versions not stated): gnomAD exomes 0.00013 and 0.00017; gnomAD 0.00019 and 0.00020; TOPMed 0.00023; ExAC 0.00014; 1000 Genomes Project 30x 0.00031; ESP Exome Variant Server 0.00024.

Submissions (15):

Genetics Laboratory, Great Ormond Street Hospital NHS Foundation Trust, North Thames Genomic Laboratory Hub
Classification: Pathogenic for Retinal disorders. Last evaluated: 2026-09-22. Review status: criteria provided, single submitter. Criteria: ACGS Best Practice Guidelines for Variant Classification in Rare Disease 2024 v1.2. Collection method: clinical testing. Allele origin: germline. Affected: yes.
Comment: PM2_moderate, PVS1_very-strong

PreventionGenetics, part of Exact Sciences
Classification: Pathogenic for SAG-related condition. Last evaluated: 2026-05-22. Review status: criteria provided, single submitter. Criteria: ACMG Guidelines, 2015. Collection method: clinical testing. Allele origin: germline.
Comment: The SAG c.577C>T variant is predicted to result in premature protein termination (p.Arg193*). This variant has been reported in the homozygous state and in the heterozygous state with a second potentially causative variant in patients with Oguchi disease or inherited eye disease (Maw et al. 1998. PubMed ID: 9452120; Huang et al. 2012. PubMed ID: 22419846; Table S1, Weisschuh et al. 2024. PubMed ID: 37734845). This variant has also been reported without a second possible causative variant in other individuals with retinal disease (Eisenberger et al. 2013. PubMed ID: 24265693; Table S3, Gao et al. 2019. PubMed ID: 31054281; García Bohórquez et al. 2021. PubMed ID: 34327195). This variant is present in 0.037% of alleles in individuals of Latino descent in gnomAD. Nonsense variants in SAG are expected to be pathogenic for autosomal recessive disease. This variant is interpreted as pathogenic for autosomal recessive disease.

Labcorp Genetics (formerly Invitae), Labcorp
Classification: Pathogenic. Last evaluated: 2026-01-20. Review status: criteria provided, single submitter. Criteria: Invitae Variant Classification Sherloc (09022015). Collection method: clinical testing. Allele origin: germline.
Comment: This sequence change creates a premature translational stop signal (p.Arg193*) in the SAG gene. It is expected to result in an absent or disrupted protein product. Loss-of-function variants in SAG are known to be pathogenic (PMID: 9452120, 15234147, 22665972). This variant is present in population databases (rs201153410, gnomAD 0.04%). This premature translational stop signal has been observed in individual(s) with Oguchi disease (PMID: 9452120, 22419846). In at least one individual the data is consistent with being in trans (on the opposite chromosome) from a pathogenic variant. It has also been observed to segregate with disease in related individuals. ClinVar contains an entry for this variant (Variation ID: 41895). For these reasons, this variant has been classified as Pathogenic.

First Genomix Gene Laboratory, Genetic Diagnostics Department
Classification: Pathogenic for Oguchi disease-1; Retinitis pigmentosa 47. Last evaluated: 2025-09-15. Review status: criteria provided, single submitter. Criteria: ACMG Guidelines, 2015. Collection method: clinical testing. Allele origin: germline. Inheritance: Autosomal recessive inheritance. Affected: no. Observed: 1 variant allele.

Genetics Department, Catlab
Classification: Pathogenic for Oguchi disease-1. Last evaluated: 2024-09-20. Review status: criteria provided, single submitter. Criteria: ACMG Guidelines, 2015. Collection method: clinical testing. Allele origin: biparental. Affected: yes. Observed: 1 variant allele.
Comment: The c.577C>T nonsense variant in the SAG gene is a loss of function variant predicted to undergo nonsense mediated decay and loss of function variants have been described as a causing mechanism for the gene (PVS1). It has been previously reported in homozygous or compound heterozygous state in patients with Oguchi disease (PMID: 22419846, 9452120, 21151602) (PM3) and it has a low frequency in gnomAD 4.1 (AF=0.01%) (PM2). With all the available evidence, the variant is classified as pathogenic.

Blueprint Genetics
Classification: Pathogenic for SAG-related disorders. Last evaluated: 2024-08-23. Review status: criteria provided, single submitter. Criteria: ACMG Guidelines, 2015. Collection method: clinical testing. Allele origin: germline. Affected: yes. Observed: 5 variant alleles.

Institute of Human Genetics, University of Leipzig Medical Center
Classification: Pathogenic for Retinitis pigmentosa 47. Last evaluated: 2023-03-15. Review status: criteria provided, single submitter. Criteria: ACMG Guidelines, 2015. Collection method: clinical testing. Allele origin: unknown. Affected: yes.
Comment: This variant was identified as compound heterozygous with NM_000541.5:c.733G>A._x000D_ Criteria applied: PVS1, PM2_SUP, PM3_SUP

Victorian Clinical Genetics Services, Murdoch Childrens Research Institute
Classification: Pathogenic for Oguchi disease-1. Last evaluated: 2022-02-02. Review status: criteria provided, single submitter. Criteria: ACMG Guidelines, 2015. Collection method: clinical testing. Allele origin: germline. Inheritance: Autosomal recessive inheritance. Affected: no.
Comment: Based on the classification scheme VCGS_Germline_v1.3.4, this variant is classified as Pathogenic. Following criteria are met: 0102 - Loss of function is a known mechanism of disease in this gene and is associated with Oguchi disease-1 (MIM#258100) and retinitis pigmentosa 47 (MIM#613758). (I) 0106 - This gene is associated with autosomal recessive disease. Autosomal dominant retinitis pigmentosa has also been reported as a founder mutation (PMID: 33047631). (I) 0201 - Variant is predicted to cause nonsense-mediated decay (NMD) and loss of protein (premature termination codon is located at least 54 nucleotides upstream of the final exon-exon junction). (SP) 0251 - This variant is heterozygous. (I) 0304 - Variant is present in gnomAD (v2) <0.01 for a recessive condition (42 heterozygotes, 0 homozygotes). (SP) 0702 - Other NMD predicted variants comparable to the one identified in this case have strong previous evidence for pathogenicity (ClinVar). (SP) 0801 - This variant has strong previous evidence of pathogenicity in unrelated individuals. This variant has been reported in both homozygous and compound heterozygous state in individuals with Oguchi disease (ClinVar, PMID: 9452120, 22419846). It has also been reported in individuals with retinitis pigmentosa (PMID: 21151602). (SP) 1208 - Inheritance information for this variant is not currently available in this individual. (I) Legend: (SP) - Supporting pathogenic, (I) - Information, (SB) - Supporting benign

Fulgent Genetics
Classification: Pathogenic for Oguchi disease-1; Retinitis pigmentosa 47. Last evaluated: 2021-11-05. Review status: criteria provided, single submitter. Criteria: ACMG Guidelines, 2015. Collection method: clinical testing. Allele origin: unknown.

GeneDx
Classification: Pathogenic. Last evaluated: 2021-09-20. Review status: criteria provided, single submitter. Criteria: GeneDx Variant Classification Process June 2021. Collection method: clinical testing. Allele origin: germline. Affected: yes.
Comment: Nonsense variant predicted to result in protein truncation or nonsense mediated decay in a gene for which loss-of-function is a known mechanism of disease; Observed with a deletion variant on the opposite allele (in trans) in a patient with Oguchi disease in published literature (Huang et al., 2012); This variant is associated with the following publications: (PMID: 15295660, 24265693, 25525159, 9452120, 25307992, 22419846, 21922265, 21151602, 17070587, 31054281, 31980526, 31589614)

Institute of Human Genetics, Univ. Regensburg, Univ. Regensburg
Classification: Pathogenic for Retinal dystrophy. Last evaluated: 2021-01-01. Review status: criteria provided, single submitter. Criteria: ACMG Guidelines, 2015. Collection method: clinical testing. Allele origin: germline. Affected: yes.

Medical Molecular Genetics Department, National Research Center
Classification: Pathogenic for Oguchi disease-2. Last evaluated: 2019-12-01. Review status: criteria provided, single submitter. Criteria: ACMG Guidelines, 2015. Collection method: clinical testing. Allele origin: germline. Affected: yes. Observed: 1 variant allele.

Revvity Omics, Revvity
Classification: Pathogenic. Last evaluated: 2019-08-19. Review status: criteria provided, single submitter. Criteria: ACMG Guidelines, 2015. Collection method: clinical testing. Allele origin: germline.

CeGaT Center for Human Genetics Tuebingen
Classification: Pathogenic. Last evaluated: 2018-11-01. Review status: criteria provided, single submitter. Criteria: CeGaT Center For Human Genetics Tuebingen Variant Classification Criteria Version 2. Collection method: clinical testing. Allele origin: germline. Affected: yes. Observed: 1 variant allele.

OMIM
Classification: Pathogenic for OGUCHI DISEASE 1. Last evaluated: 1998-01-01. Review status: no assertion criteria provided. Collection method: literature only. Allele origin: germline. Not counted in ClinVar's aggregate classification.

Literature cited by the submitters: PubMed 9452120 (cited by 5 submitters); PubMed 15234147 (cited by Labcorp Genetics (formerly Invitae), Labcorp); PubMed 22665972 (cited by Labcorp Genetics (formerly Invitae), Labcorp); PubMed 22419846 (cited by 3 submitters); PubMed 21151602 (cited by Genetics Department, Catlab and Victorian Clinical Genetics Services, Murdoch Childrens Research Institute); PubMed 33047631 (cited by Victorian Clinical Genetics Services, Murdoch Childrens Research Institute); PubMed 24265693 (cited by Institute of Human Genetics, Univ. Regensburg, Univ. Regensburg); PubMed 25525159 (cited by Institute of Human Genetics, Univ. Regensburg, Univ. Regensburg); PubMed 31589614 (cited by Institute of Human Genetics, Univ. Regensburg, Univ. Regensburg); PubMed 31054281 (cited by Institute of Human Genetics, Univ. Regensburg, Univ. Regensburg); PubMed 31964843 (cited by Institute of Human Genetics, Univ. Regensburg, Univ. Regensburg); PubMed 31980526 (cited by Institute of Human Genetics, Univ. Regensburg, Univ. Regensburg); PubMed 32531858 (cited by Institute of Human Genetics, Univ. Regensburg, Univ. Regensburg); PubMed 34327195 (cited by Institute of Human Genetics, Univ. Regensburg, Univ. Regensburg); PubMed 35549688 (cited by Institute of Human Genetics, Univ. Regensburg, Univ. Regensburg).

NM_000541.5(SAG):c.577C>T (p.Arg193Ter)

Gene: SAG (S-antigen visual arrestin; plus strand). Cytogenetic location: 2q37.1.
Variant type: single nucleotide variant.
Coding change: c.577C>T on transcript NM_000541.5 (MANE Select); coding-DNA position 577, C replaced by T.
Protein change: p.Arg193Ter; replaces arginine 193 with a stop codon.
Molecular consequence: nonsense.
Genome position (GRCh38, 1-based): chr2:233,328,542, C>T. VCF-style: chr2-233328542-C-T. GRCh37 (hg19) VCF-style: chr2-234237188-C-T.
Other names: short protein forms R193*.
Identifiers: ClinVar variation 41895 (VCV000041895.67), dbSNP rs201153410, ClinGen allele CA130895.